The following is an entry in ClinVar:

ClinVar aggregate classification (germline): Uncertain significance (1 of 4 stars; one submission).

Conditions:
Hypertrophic cardiomyopathy 26. Also called: Cardiomyopathy, familial hypertrophic, 26. Identifiers: Orphanet 75249, MedGen C4310749, MONDO:0014883, OMIM 617047.
Myofibrillar myopathy 5. Also called: FILAMINOPATHY, AUTOSOMAL DOMINANT; Filaminopathy (type). Identifiers: Orphanet 171445, MedGen C1836050, MONDO:0012289, OMIM 609524.
Distal myopathy with posterior leg and anterior hand involvement. Also called: WILLIAMS DISTAL MYOPATHY. Identifiers: Orphanet 63273, MedGen C3279722, MONDO:0013550, OMIM 614065.

Allele frequency attached by ClinVar (database versions not stated): gnomAD exomes below 0.00001; TOPMed 0.00001; gnomAD 0.00002.
gnomAD v4.1: 7 of 1,595,622 alleles (0.00044%); highest among the groups gnomAD compares: African/African-American, 0.0013%; no homozygotes.

Submission:

Labcorp Genetics (formerly Invitae), Labcorp
Classification: Uncertain significance for Distal myopathy with posterior leg and anterior hand involvement; Myofibrillar myopathy 5; Hypertrophic cardiomyopathy 26. Last evaluated: 2025-08-04. Review status: criteria provided, single submitter. Criteria: Invitae Variant Classification Sherloc (09022015). Collection method: clinical testing. Allele origin: germline.
Comment: This sequence change falls in intron 43 of the FLNC gene. It does not directly change the encoded amino acid sequence of the FLNC protein. It affects a nucleotide within the consensus splice site. This variant is not present in population databases (gnomAD no frequency). This variant has not been reported in the literature in individuals affected with FLNC-related conditions. ClinVar contains an entry for this variant (Variation ID: 953332). Variants that disrupt the consensus splice site are a relatively common cause of aberrant splicing (PMID: 17576681, 9536098). Algorithms developed to predict the effect of sequence changes on RNA splicing suggest that this variant is not likely to affect RNA splicing. In summary, the available evidence is currently insufficient to determine the role of this variant in disease. Therefore, it has been classified as a Variant of Uncertain Significance.

Literature cited by the submitters: PubMed 17576681; PubMed 9536098.

NM_001458.5(FLNC):c.7251+4T>G

Genes: FLNC (filamin C; plus strand), FLNC-AS1 (FLNC antisense RNA 1; minus strand). Cytogenetic location: 7q32.1.
Variant type: single nucleotide variant.
Coding change: c.7251+4T>G on transcript NM_001458.5 (MANE Select); 4 bases into the intron after coding-DNA position 7251, T replaced by G.
Molecular consequence: intron variant.
Genome position (GRCh38, 1-based): chr7:128,855,318, T>G. VCF-style: chr7-128855318-T-G. GRCh37 (hg19) VCF-style: chr7-128495372-T-G.
Other names: c.7152+4T>G (NM_001127487.2).
Identifiers: ClinVar variation 953332 (VCV000953332.10), dbSNP rs1389522053, ClinGen allele CA833133883.